The following is an entry in ClinVar:

NM_001430.5(EPAS1):c.751G>A (p.Asp251Asn)

Genes: EPAS1 (endothelial PAS domain protein 1; plus strand), LOC126806210 (BRD4-independent group 4 enhancer GRCh37_chr2:46587586-46588785; plus strand). Cytogenetic location: 2p21.
Variant type: single nucleotide variant.
Coding change: c.751G>A on transcript NM_001430.5 (MANE Select); coding-DNA position 751, G replaced by A.
Protein change: p.Asp251Asn; replaces aspartic acid 251 with asparagine.
Molecular consequence: missense variant.
Genome position (GRCh38, 1-based): chr2:46,361,062, G>A. VCF-style: chr2-46361062-G-A. GRCh37 (hg19) VCF-style: chr2-46588201-G-A.
Other names: short protein forms D251N.
Identifiers: ClinVar variation 1759328 (VCV001759328.2), dbSNP rs2546455630, ClinGen allele CA346700366.

ClinVar aggregate classification (germline): Uncertain significance (1 of 4 stars; one submission).

Conditions:
Inborn genetic diseases. Identifiers: MedGen C0950123, MeSH D030342.

Allele frequency attached by ClinVar (database versions not stated): gnomAD exomes 0.00002.
gnomAD v4.1: 15 of 1,614,166 alleles (0.00093%); highest among the groups gnomAD compares: Non-Finnish European, 0.0013%; no homozygotes.

Submission:

Ambry Genetics
Classification: Uncertain significance for Inborn genetic diseases. Last evaluated: 2022-02-27. Review status: criteria provided, single submitter. Criteria: Ambry Variant Classification Scheme 2023. Collection method: clinical testing. Allele origin: germline.
Comment: The p.D251N variant (also known as c.751G>A), located in coding exon 6 of the EPAS1 gene, results from a G to A substitution at nucleotide position 751. The aspartic acid at codon 251 is replaced by asparagine, an amino acid with highly similar properties. This amino acid position is conserved. In addition, this alteration is predicted to be tolerated by in silico analysis. Since supporting evidence is limited at this time, the clinical significance of this alteration remains unclear.